The following is an entry in ClinVar:

NM_001330360.2(POLA1):c.2018G>A (p.Arg673Gln)

Gene: POLA1 (DNA polymerase alpha 1, catalytic subunit; plus strand). Cytogenetic location: Xp22.11.
Variant type: single nucleotide variant.
Coding change: c.2018G>A on transcript NM_001330360.2 (MANE Select); coding-DNA position 2018, G replaced by A.
Protein change: p.Arg673Gln; replaces arginine 673 with glutamine.
Molecular consequence: missense variant. On other transcripts: non-coding transcript variant (1).
Genome position (GRCh38, 1-based): chrX:24,737,719, G>A. VCF-style: chrX-24737719-G-A. GRCh37 (hg19) VCF-style: chrX-24755836-G-A.
Other names: c.1943G>A, p.Arg648Gln (NM_001378303.1); c.2000G>A, p.Arg667Gln (NM_016937.4); short protein forms R648Q, R667Q, R673Q.
Identifiers: ClinVar variation 2664168 (VCV002664168.4), dbSNP rs756216405, ClinGen allele CA10373096.

ClinVar aggregate classification (germline): Uncertain significance. Review status: criteria provided, multiple submitters, no conflicts (2 of 4 stars). 2 submissions from 2 submitters: Uncertain significance (2). Last evaluated 2025-08-18.

Conditions:
X-linked reticulate pigmentary disorder. Also called: Pigmentary disorder, reticulate, with systemic manifestations, X-linked. Identifiers: Orphanet 85453, MedGen C1845050, MONDO:0010523, OMIM 301220.

Allele frequency attached by ClinVar (database versions not stated): gnomAD exomes below 0.00001; ExAC 0.00003.
gnomAD v4.1: 4 of 1,115,439 alleles (0.00036%); highest among the groups gnomAD compares: Non-Finnish European, 0.00049%; no homozygotes.

Submissions (2):

Labcorp Genetics (formerly Invitae), Labcorp
Classification: Uncertain significance. Last evaluated: 2025-08-18. Review status: criteria provided, single submitter. Criteria: Invitae Variant Classification Sherloc (09022015). Collection method: clinical testing. Allele origin: germline.
Comment: This sequence change replaces arginine, which is basic and polar, with glutamine, which is neutral and polar, at codon 667 of the POLA1 protein (p.Arg667Gln). This variant is present in population databases (rs756216405, gnomAD 0.004%). This variant has not been reported in the literature in individuals affected with POLA1-related conditions. ClinVar contains an entry for this variant (Variation ID: 2664168). Invitae Evidence Modeling of protein sequence and biophysical properties (such as structural, functional, and spatial information, amino acid conservation, physicochemical variation, residue mobility, and thermodynamic stability) has been performed for this missense variant. However, the output from this modeling did not meet the statistical confidence thresholds required to predict the impact of this variant on POLA1 protein function. In summary, the available evidence is currently insufficient to determine the role of this variant in disease. Therefore, it has been classified as a Variant of Uncertain Significance.

Neuberg Centre For Genomic Medicine, NCGM
Classification: Uncertain significance for X-linked reticulate pigmentary disorder. Review status: criteria provided, single submitter. Criteria: ACMG Guidelines, 2015. Collection method: clinical testing. Allele origin: germline. Inheritance: X-linked inheritance. Affected: yes.
Comment: The missense c.2018G>A(p.Arg673Gln) variant in POLA1 gene has not been reported previously as a pathogenic variant nor a benign variant, to our knowledge. The p.Arg673Gln variant has been reported with allele frequency of 0.002% in gnomAD Exomes and is novel (not in any individuals) in 1000 Genomes. This variant has not been reported to the ClinVar database. The amino acid Arg at position 673 is changed to a Gln changing protein sequence and it might alter its composition and physico-chemical properties. For these reasons, this variant has been classified as a Variant of Uncertain Significance (VUS).